The following is an entry in ClinVar:

ClinVar aggregate classification (germline): Uncertain significance. Review status: criteria provided, multiple submitters, no conflicts (2 of 4 stars). 2 submissions from 2 submitters: Uncertain significance (2). Last evaluated 2025-01-29.

Allele frequency attached by ClinVar (database versions not stated): TOPMed 0.00002; ExAC 0.00003; gnomAD 0.00004; gnomAD exomes 0.00006.
gnomAD v4.1: 87 of 1,603,868 alleles (0.0054%); highest among the groups gnomAD compares: Non-Finnish European, 0.0071%; no homozygotes.

Submissions (2):

Ambry Genetics
Classification: Uncertain significance. Last evaluated: 2025-01-29. Review status: criteria provided, single submitter. Criteria: Ambry Variant Classification Scheme 2023. Collection method: clinical testing. Allele origin: germline.

Labcorp Genetics (formerly Invitae), Labcorp
Classification: Uncertain significance. Last evaluated: 2022-07-03. Review status: criteria provided, single submitter. Criteria: Invitae Variant Classification Sherloc (09022015). Collection method: clinical testing. Allele origin: germline.
Comment: This sequence change replaces histidine, which is basic and polar, with arginine, which is basic and polar, at codon 430 of the CACNA1B protein (p.His430Arg). This variant is present in population databases (rs200845727, gnomAD 0.008%). This variant has not been reported in the literature in individuals affected with CACNA1B-related conditions. Advanced modeling of protein sequence and biophysical properties (such as structural, functional, and spatial information, amino acid conservation, physicochemical variation, residue mobility, and thermodynamic stability) performed at Invitae indicates that this missense variant is not expected to disrupt CACNA1B protein function. In summary, the available evidence is currently insufficient to determine the role of this variant in disease. Therefore, it has been classified as a Variant of Uncertain Significance.

NM_000718.4(CACNA1B):c.1289A>G (p.His430Arg)

Gene: CACNA1B (calcium voltage-gated channel subunit alpha1 B; plus strand). Cytogenetic location: 9q34.3.
Variant type: single nucleotide variant.
Coding change: c.1289A>G on transcript NM_000718.4 (MANE Select); coding-DNA position 1289, A replaced by G.
Protein change: p.His430Arg; replaces histidine 430 with arginine.
Molecular consequence: missense variant.
Genome position (GRCh38, 1-based): chr9:137,957,643, A>G. VCF-style: chr9-137957643-A-G. GRCh37 (hg19) VCF-style: chr9-140852095-A-G.
Other names: c.1289A>G, p.His430Arg (NM_001243812.2); c.1289A>G (NM_000718.3); short protein forms H430R.
Identifiers: ClinVar variation 1954030 (VCV001954030.3), dbSNP rs200845727, ClinGen allele CA5376109.